The following is an entry in ClinVar:

NM_003676.4(DEGS1):c.64C>G (p.Arg22Gly)

Gene: DEGS1 (delta 4-desaturase, sphingolipid 1; plus strand). Cytogenetic location: 1q42.11.
Variant type: single nucleotide variant.
Coding change: c.64C>G on transcript NM_003676.4 (MANE Select); coding-DNA position 64, C replaced by G.
Protein change: p.Arg22Gly; replaces arginine 22 with glycine.
Molecular consequence: missense variant.
Genome position (GRCh38, 1-based): chr1:224,183,400, C>G. VCF-style: chr1-224183400-C-G. GRCh37 (hg19) VCF-style: chr1-224371102-C-G.
Other names: c.64C>G, p.Arg22Gly (NM_001321541.2); short protein forms R22G.
Identifiers: ClinVar variation 2582871 (VCV002582871.25), dbSNP rs1405720523, ClinGen allele CA344707576.

ClinVar aggregate classification (germline): Uncertain significance (1 of 4 stars; one submission).

Submission:

CeGaT Center for Human Genetics Tuebingen
Classification: Uncertain significance. Last evaluated: 2024-08-01. Review status: criteria provided, single submitter. Criteria: CeGaT Center For Human Genetics Tuebingen Variant Classification Criteria Version 2. Collection method: clinical testing. Allele origin: germline. Affected: yes. Observed: 3 variant alleles.
Comment: DEGS1: PM2, PM3:Supporting